The following is an entry in ClinVar:

ClinVar aggregate classification (germline): Pathogenic (1 of 4 stars; one submission).

Conditions:
Usher syndrome type 2C. Also called: Usher syndrome, type 2B; USHER SYNDROME, TYPE IIC. Identifiers: Orphanet 231178, Orphanet 886, MedGen C2931213, MONDO:0011558, OMIM 605472.

Submission:

3billion
Classification: Pathogenic for Usher syndrome type 2C. Last evaluated: 2023-11-09. Review status: criteria provided, single submitter. Criteria: ACMG Guidelines, 2015. Collection method: clinical testing. Allele origin: germline. Affected: yes.
Comment: The variant is not observed in the gnomAD v2.1.1 dataset. Predicted Consequence/Location: Frameshift: predicted to result in a loss or disruption of normal protein function through nonsense-mediated decay (NMD) or protein truncation. Multiple pathogenic variants are reported downstream of the variant. The variant has been reported to be associated with ADGRV1-related disorder (3billion dataset). However, the evidence of pathogenicity is insufficient at this time. Therefore, this variant is classified as Pathogenic according to the recommendation of ACMG/AMP guideline.

NM_032119.4(ADGRV1):c.5360del (p.Tyr1787fs)

Gene: ADGRV1 (adhesion G protein-coupled receptor V1; plus strand). Cytogenetic location: 5q14.3.
Variant type: Deletion.
Coding change: c.5360del on transcript NM_032119.4 (MANE Select); coding-DNA position 5360, one base deleted (A; older notation c.5360delA).
Protein change: p.Tyr1787fs; shifts the reading frame from tyrosine 1787.
Molecular consequence: frameshift variant. On other transcripts: non-coding transcript variant (1).
Genome position (GRCh38, 1-based): chr5:90,676,126, A deleted. VCF-style (leftmost placement, unchanged base first): chr5-90676125-TA-T. GRCh37 (hg19) VCF-style: chr5-89971942-TA-T.
Other names: short protein forms Y1787fs.
Identifiers: ClinVar variation 3775526 (VCV003775526.1).